The following is an entry in ClinVar:

ClinVar aggregate classification (germline): Pathogenic (0 of 4 stars; one submission).

Conditions:
Osteogenesis imperfecta type III (OI3). Also called: Progressively Deforming Osteogenesis Imperfecta; Osteogenesis imperfecta type 3; OI type 3; Osteogenesis imperfecta, progressively deforming with normal sclerae; OI type III. Identifiers: Orphanet 216812, Orphanet 666, MedGen C0268362, MONDO:0009804, OMIM 259420.

Submission:

Hacettepe Pediatric Genetics Laboratory, Hacettepe University
Classification: Pathogenic for Osteogenesis imperfecta type III. Last evaluated: 2022-03-11. Review status: no assertion criteria provided. Collection method: clinical testing. Allele origin: germline. Inheritance: Autosomal dominant inheritance. Affected: yes. Observed: 1 heterozygote.
Comment: This variant was neither found in ExAC nor HGMD. This change was classified as “pathogenic” according to the ACMG guidelines and predicted to be disease causing by in silico analysis such as MutationTaster.

NM_000088.4(COL1A1):c.3064G>T (p.Gly1022Cys)

Gene: COL1A1 (collagen type I alpha 1 chain; minus strand). Cytogenetic location: 17q21.33.
Variant type: single nucleotide variant.
Coding change: c.3064G>T on transcript NM_000088.4 (MANE Select); coding-DNA position 3064, G replaced by T.
Protein change: p.Gly1022Cys; replaces glycine 1022 with cysteine.
Molecular consequence: missense variant.
Genome position (GRCh38, 1-based): chr17:50,188,777, C>A on the plus strand (G>T on the coding strand, the complement: COL1A1 is on the minus strand). VCF-style: chr17-50188777-C-A. GRCh37 (hg19) VCF-style: chr17-48266138-C-A.
Other names: p.Gly1022Cys; short protein forms G1022C.
Identifiers: ClinVar variation 1343415 (VCV001343415.2), dbSNP rs66523073, ClinGen allele CA400203250.